The following is an entry in ClinVar:

NM_001128148.3(TFRC):c.112A>G (p.Met38Val)

Gene: TFRC (transferrin receptor; minus strand). Cytogenetic location: 3q29.
Variant type: single nucleotide variant.
Coding change: c.112A>G on transcript NM_001128148.3 (MANE Select); coding-DNA position 112, A replaced by G.
Protein change: p.Met38Val; replaces methionine 38 with valine.
Molecular consequence: missense variant. On other transcripts: intron variant (2).
Genome position (GRCh38, 1-based): chr3:196,075,285, T>C on the plus strand (A>G on the coding strand, the complement: TFRC is on the minus strand). VCF-style: chr3-196075285-T-C. GRCh37 (hg19) VCF-style: chr3-195802156-T-C.
Other names: c.112A>G, p.Met38Val (NM_003234.4); c.-413+1779A>G (NM_001313966.2); c.-5-1160A>G (NM_001313965.2); short protein forms M38V.
Identifiers: ClinVar variation 1998428 (VCV001998428.4), dbSNP rs1477368569, ClinGen allele CA355579421.

ClinVar aggregate classification (germline): Uncertain significance (1 of 4 stars; one submission).

Allele frequency attached by ClinVar (database versions not stated): TOPMed below 0.00001; gnomAD 0.00001.
gnomAD v4.1: 1 of 1,614,024 alleles (0.000062%); highest among the groups gnomAD compares: Non-Finnish European, 0.000085%; no homozygotes.

Submission:

Labcorp Genetics (formerly Invitae), Labcorp
Classification: Uncertain significance. Last evaluated: 2022-05-25. Review status: criteria provided, single submitter. Criteria: Invitae Variant Classification Sherloc (09022015). Collection method: clinical testing. Allele origin: germline.
Comment: In summary, the available evidence is currently insufficient to determine the role of this variant in disease. Therefore, it has been classified as a Variant of Uncertain Significance. Algorithms developed to predict the effect of missense changes on protein structure and function are either unavailable or do not agree on the potential impact of this missense change (SIFT: "Tolerated"; PolyPhen-2: "Probably Damaging"; Align-GVGD: "Class C0"). This variant has not been reported in the literature in individuals affected with TFRC-related conditions. This variant is not present in population databases (gnomAD no frequency). This sequence change replaces methionine, which is neutral and non-polar, with valine, which is neutral and non-polar, at codon 38 of the TFRC protein (p.Met38Val).